The following is an entry in ClinVar:

ClinVar aggregate classification (germline): Pathogenic (1 of 4 stars; one submission).

Conditions:
Hereditary cancer-predisposing syndrome. Also called: Hereditary Cancer Syndrome; Hereditary neoplastic syndrome; Neoplastic Syndromes, Hereditary; Tumor predisposition. Identifiers: Orphanet 140162, MedGen C0027672, MeSH D009386, MONDO:0015356.

Submission:

Ambry Genetics
Classification: Pathogenic for Hereditary cancer-predisposing syndrome. Last evaluated: 2021-04-22. Review status: criteria provided, single submitter. Criteria: Ambry Variant Classification Scheme 2023. Collection method: clinical testing. Allele origin: germline.
Comment: The c.566_567delAT pathogenic mutation, located in coding exon 6 of the PMS2 gene, results from a deletion of two nucleotides at nucleotide positions 566 to 567, causing a translational frameshift with a predicted alternate stop codon (p.H189Rfs*59). This alteration is expected to result in loss of function by premature protein truncation or nonsense-mediated mRNA decay. As such, this alteration is interpreted as a disease-causing mutation.

NM_000535.7(PMS2):c.566_567del (p.His189fs)

Gene: PMS2 (PMS1 homolog 2, mismatch repair system component; minus strand). Cytogenetic location: 7p22.1.
Variant type: Deletion.
Coding change: c.566_567del on transcript NM_000535.7 (MANE Select); coding-DNA positions 566 to 567, 2 bases deleted (AT; older notation c.566_567delAT).
Protein change: p.His189fs; shifts the reading frame from histidine 189.
Molecular consequence: frameshift variant. On other transcripts: non-coding transcript variant (1), intron variant (3).
Genome position (GRCh38, 1-based): chr7:5,999,246-5,999,247, AT deleted on the plus strand (AT on the coding strand, the reverse complement: PMS2 is on the minus strand). VCF-style (leftmost placement, unchanged base first): chr7-5999245-CAT-C. GRCh37 (hg19) VCF-style: chr7-6038876-CAT-C.
Other names: c.566_567del, p.His189fs (NM_001322014.2, NM_001322006.2); c.752_753delAT, p.His251Argfs (NM_001406866.1); c.590_591delAT, p.His197Argfs (NM_001406868.1); c.566_567delAT, p.His189Argfs (NM_001406869.1, NM_001406870.1, NM_001406871.1 and 3 more transcripts); c.257_258del, p.His86fs (NM_001322015.2); c.161_162delAT, p.His54Argfs (NM_001018040.1, NM_001406887.1, NM_001406888.1 and 17 more transcripts); c.161_162del, p.His54fs (NM_001322003.2, NM_001322004.2, NM_001322005.2 and 2 more transcripts); c.248_249del, p.His83fs (NM_001322007.2, NM_001322008.2); and 4 more; short protein forms H54fs, H83fs, H189fs, H86fs.
Identifiers: ClinVar variation 1748917 (VCV001748917.2), dbSNP rs2536323868, ClinGen allele CA2580076774.